The following is an entry in ClinVar:

ClinVar aggregate classification (germline): Uncertain significance (1 of 4 stars; one submission).

Allele frequency attached by ClinVar (database versions not stated): gnomAD exomes below 0.00001.
gnomAD v4.1: 1 of 1,548,994 alleles (0.000065%); highest among the groups gnomAD compares: Non-Finnish European, 0.000087%; no homozygotes.

Submission:

Labcorp Genetics (formerly Invitae), Labcorp
Classification: Uncertain significance. Last evaluated: 2022-08-22. Review status: criteria provided, single submitter. Criteria: Invitae Variant Classification Sherloc (09022015). Collection method: clinical testing. Allele origin: germline.
Comment: In summary, the available evidence is currently insufficient to determine the role of this variant in disease. Therefore, it has been classified as a Variant of Uncertain Significance. Algorithms developed to predict the effect of sequence changes on RNA splicing suggest that this variant may disrupt the consensus splice site. This variant has not been reported in the literature in individuals affected with FBXL4-related conditions. This variant is not present in population databases (gnomAD no frequency). This sequence change falls in intron 3 of the FBXL4 gene. It does not directly change the encoded amino acid sequence of the FBXL4 protein.

NM_001278716.2(FBXL4):c.513-5G>A

Gene: FBXL4 (F-box and leucine rich repeat protein 4; minus strand). Cytogenetic location: 6q16.2.
Variant type: single nucleotide variant.
Coding change: c.513-5G>A on transcript NM_001278716.2 (MANE Select); 5 bases into the intron before coding-DNA position 513, G replaced by A.
Molecular consequence: intron variant.
Genome position (GRCh38, 1-based): chr6:98,917,724, C>T on the plus strand (G>A on the coding strand, the complement: FBXL4 is on the minus strand). VCF-style: chr6-98917724-C-T. GRCh37 (hg19) VCF-style: chr6-99365600-C-T.
Other names: c.513-5G>A (NM_012160.5).
Identifiers: ClinVar variation 2008462 (VCV002008462.4), dbSNP rs2535104862, ClinGen allele CA16021293.